The following is an entry in ClinVar:

ClinVar aggregate classification (germline): Uncertain significance (1 of 4 stars; one submission).

Conditions:
Parkinsonian-pyramidal syndrome. Also called: PARKINSON DISEASE 15, AUTOSOMAL RECESSIVE EARLY-ONSET; PALLIDOPYRAMIDAL SYNDROME; PARKINSON DISEASE 15, AUTOSOMAL RECESSIVE. Identifiers: Orphanet 171695, MedGen C1850100, MONDO:0009830, OMIM 260300.

Submission:

Labcorp Genetics (formerly Invitae), Labcorp
Classification: Uncertain significance for Parkinsonian-pyramidal syndrome. Last evaluated: 2019-01-30. Review status: criteria provided, single submitter. Criteria: Invitae Variant Classification Sherloc (09022015). Collection method: clinical testing. Allele origin: germline.
Comment: In summary, the available evidence is currently insufficient to determine the role of this variant in disease. Therefore, it has been classified as a Variant of Uncertain Significance. Algorithms developed to predict the effect of missense changes on protein structure and function (SIFT, PolyPhen-2, Align-GVGD) all suggest that this variant is likely to be tolerated, but these predictions have not been confirmed by published functional studies and their clinical significance is uncertain. This variant has not been reported in the literature in individuals with FBXO7-related conditions. This variant is not present in population databases (ExAC no frequency). This sequence change replaces histidine with asparagine at codon 400 of the FBXO7 protein (p.His400Asn). The histidine residue is weakly conserved and there is a small physicochemical difference between histidine and asparagine.

NM_012179.4(FBXO7):c.1198C>A (p.His400Asn)

Gene: FBXO7 (F-box protein 7; plus strand). Cytogenetic location: 22q12.3.
Variant type: single nucleotide variant.
Coding change: c.1198C>A on transcript NM_012179.4 (MANE Select); coding-DNA position 1198, C replaced by A.
Protein change: p.His400Asn; replaces histidine 400 with asparagine.
Molecular consequence: missense variant.
Genome position (GRCh38, 1-based): chr22:32,498,159, C>A. VCF-style: chr22-32498159-C-A. GRCh37 (hg19) VCF-style: chr22-32894146-C-A.
Other names: c.961C>A, p.His321Asn (NM_001033024.2); c.856C>A, p.His286Asn (NM_001257990.2); short protein forms H321N, H400N, H286N.
Identifiers: ClinVar variation 860252 (VCV000860252.9), dbSNP rs2057587664, ClinGen allele CA411335199.
Genomic context (GRCh38, chr22:32,498,159, plus strand): 5'-GATCACTTACCTTATCTTGTTCTTTTATTTTTCTTTTTTCTACAGCTGTACAGGAAGAGG[C>A]ACATACAAAGAAAAGAATCCCCGAAAGGGCGGTTTGTGATGCTCCTGCCATCGTCAACTC-3'
Protein context (NP_036311.3, residues 390-410): TDWKELYRKR[His400Asn]IQRKESPKGR